The following is an entry in ClinVar:

NM_003823.4(TNFRSF6B):c.56C>T (p.Pro19Leu)

Genes: TNFRSF6B (TNF receptor superfamily member 6b; plus strand), RTEL1-TNFRSF6B (RTEL1-TNFRSF6B readthrough (NMD candidate); plus strand). Cytogenetic location: 20q13.33.
Variant type: single nucleotide variant.
Coding change: c.56C>T on transcript NM_003823.4 (MANE Select); coding-DNA position 56, C replaced by T.
Protein change: p.Pro19Leu; replaces proline 19 with leucine.
Molecular consequence: missense variant. On other transcripts: non-coding transcript variant (1).
Genome position (GRCh38, 1-based): chr20:63,696,823, C>T. VCF-style: chr20-63696823-C-T. GRCh37 (hg19) VCF-style: chr20-62328176-C-T.
Other names: short protein forms P19L.
Identifiers: ClinVar variation 2982608 (VCV002982608.3), dbSNP rs763121875, ClinGen allele CA9966294.
Genomic context (GRCh38, chr20:63,696,823, plus strand): 5'-GGACCATGAGGGCGCTGGAGGGGCCAGGCCTGTCGCTGCTGTGCCTGGTGTTGGCGCTGC[C>T]TGCCCTGCTGCCGGTGCCGGCTGTACGCGGAGTGGCAGAAACACCCACCTACCCCTGGCG-3'
Protein context (NP_003814.1, residues 9-29): LSLLCLVLAL[Pro19Leu]ALLPVPAVRG

ClinVar aggregate classification (germline): Uncertain significance (1 of 4 stars; one submission).

Allele frequency attached by ClinVar (database versions not stated): ExAC 0.00001.

Submission:

Labcorp Genetics (formerly Invitae), Labcorp
Classification: Uncertain significance. Last evaluated: 2022-11-02. Review status: criteria provided, single submitter. Criteria: Invitae Variant Classification Sherloc (09022015). Collection method: clinical testing. Allele origin: germline.
Comment: In summary, the available evidence is currently insufficient to determine the role of this variant in disease. Therefore, it has been classified as a Variant of Uncertain Significance. Algorithms developed to predict the effect of missense changes on protein structure and function are either unavailable or do not agree on the potential impact of this missense change (SIFT: "Tolerated"; PolyPhen-2: "Not Available"; Align-GVGD: "Class C0"). This variant has not been reported in the literature in individuals affected with TNFRSF6B-related conditions. This variant is present in population databases (rs763121875, gnomAD 0.001%). This sequence change replaces proline, which is neutral and non-polar, with leucine, which is neutral and non-polar, at codon 19 of the TNFRSF6B protein (p.Pro19Leu).